The following is an entry in ClinVar:

NM_000051.4(ATM):c.4535C>A (p.Ala1512Asp)

Gene: ATM (ATM serine/threonine kinase; plus strand). Cytogenetic location: 11q22.3.
Variant type: single nucleotide variant.
Coding change: c.4535C>A on transcript NM_000051.4 (MANE Select); coding-DNA position 4535, C replaced by A.
Protein change: p.Ala1512Asp; replaces alanine 1512 with aspartic acid.
Molecular consequence: missense variant.
Genome position (GRCh38, 1-based): chr11:108,292,717, C>A. VCF-style: chr11-108292717-C-A. GRCh37 (hg19) VCF-style: chr11-108163444-C-A.
Other names: c.4535C>A, p.Ala1512Asp (NM_001351834.2); short protein forms A1512D.
Identifiers: ClinVar variation 824984 (VCV000824984.4), dbSNP rs1591674385, ClinGen allele CA382533725.

ClinVar aggregate classification (germline): Uncertain significance (1 of 4 stars; one submission).

Conditions:
Hereditary cancer-predisposing syndrome. Also called: Neoplastic Syndromes, Hereditary; Tumor predisposition; Hereditary neoplastic syndrome; Hereditary Cancer Syndrome. Identifiers: Orphanet 140162, MedGen C0027672, MeSH D009386, MONDO:0015356.

Submission:

Ambry Genetics
Classification: Uncertain significance for Hereditary cancer-predisposing syndrome. Last evaluated: 2019-06-28. Review status: criteria provided, single submitter. Criteria: Ambry Variant Classification Scheme 2023. Collection method: clinical testing. Allele origin: germline.
Comment: The p.A1512D variant (also known as c.4535C>A), located in coding exon 29 of the ATM gene, results from a C to A substitution at nucleotide position 4535. The alanine at codon 1512 is replaced by aspartic acid, an amino acid with dissimilar properties. This amino acid position is highly conserved in available vertebrate species. In addition, this alteration is predicted to be deleterious by in silico analysis. Since supporting evidence is limited at this time, the clinical significance of this alteration remains unclear.